The following is an entry in ClinVar:

NM_170707.4(LMNA):c.1600A>G (p.Thr534Ala)

Gene: LMNA (lamin A/C; plus strand). Cytogenetic location: 1q22.
Variant type: single nucleotide variant.
Coding change: c.1600A>G on transcript NM_170707.4 (MANE Select); coding-DNA position 1600, A replaced by G.
Protein change: p.Thr534Ala; replaces threonine 534 with alanine.
Molecular consequence: missense variant.
Genome position (GRCh38, 1-based): chr1:156,137,224, A>G. VCF-style: chr1-156137224-A-G. GRCh37 (hg19) VCF-style: chr1-156107015-A-G.
Other names: c.1600A>G (NM_170707.2); c.1264A>G, p.Thr422Ala (NM_001257374.3); c.1357A>G, p.Thr453Ala (NM_001282624.2); c.1600A>G, p.Thr534Ala (NM_001282625.2, NM_001282626.2, NM_005572.4 and 1 more transcripts); short protein forms T422A, T453A, T534A.
Identifiers: ClinVar variation 1063648 (VCV001063648.13), dbSNP rs1311820114, ClinGen allele CA342823602.

ClinVar aggregate classification (germline): Uncertain significance. Review status: criteria provided, multiple submitters, no conflicts (2 of 4 stars). 4 submissions from 4 submitters: Uncertain significance (4). Last evaluated 2025-11-06.

Conditions:
Primary dilated cardiomyopathy (DCM). Also called: Dilated Cardiomyopathy. Identifiers: Orphanet 217604, MedGen C0007193, MeSH D002311, MONDO:0005021, HP:0001644. Inheritance: Various modes of inheritance.
Charcot-Marie-Tooth disease type 2. Also called: Charcot-Marie-Tooth type 2. Identifiers: Orphanet 64746, MedGen C0270914, MONDO:0018993.
Cardiovascular phenotype. Identifiers: MedGen CN230736.

Submissions (4):

Ambry Genetics
Classification: Uncertain significance for Cardiovascular phenotype. Last evaluated: 2025-11-06. Review status: criteria provided, single submitter. Criteria: Ambry Variant Classification Scheme 2023. Collection method: clinical testing. Allele origin: germline.
Comment: The p.T534A variant (also known as c.1600A>G), located in coding exon 9 of the LMNA gene, results from an A to G substitution at nucleotide position 1600. The threonine at codon 534 is replaced by alanine, an amino acid with similar properties. This amino acid position is not well conserved in available vertebrate species. In addition, the in silico prediction for this alteration is inconclusive. Since supporting evidence is limited at this time, the clinical significance of this alteration remains unclear.

All of Us Research Program, National Institutes of Health
Classification: Uncertain significance for Primary dilated cardiomyopathy. Last evaluated: 2024-01-11. Review status: criteria provided, single submitter. Criteria: ACMG Guidelines, 2015. Collection method: clinical testing. Allele origin: germline. Inheritance: Autosomal dominant inheritance. Observed: 1 variant allele, 1 heterozygote.
Comment: This study involves interpretation of variants in research participants for the purpose of population health screening. Participant phenotype was not available at the time of variant classification. Additional details can be found in publication PMID: 35346344, PMCID: PMC8962531

Labcorp Genetics (formerly Invitae), Labcorp
Classification: Uncertain significance for Charcot-Marie-Tooth disease type 2. Last evaluated: 2022-05-08. Review status: criteria provided, single submitter. Criteria: Invitae Variant Classification Sherloc (09022015). Collection method: clinical testing. Allele origin: germline.
Comment: In summary, the available evidence is currently insufficient to determine the role of this variant in disease. Therefore, it has been classified as a Variant of Uncertain Significance. ClinVar contains an entry for this variant (Variation ID: 1063648). This variant has not been reported in the literature in individuals affected with LMNA-related conditions. This variant is not present in population databases (gnomAD no frequency). This sequence change replaces threonine, which is neutral and polar, with alanine, which is neutral and non-polar, at codon 534 of the LMNA protein (p.Thr534Ala). Algorithms developed to predict the effect of missense changes on protein structure and function (SIFT, PolyPhen-2, Align-GVGD) all suggest that this variant is likely to be tolerated.

Blueprint Genetics
Classification: Uncertain significance. Last evaluated: 2020-01-09. Review status: criteria provided, single submitter. Criteria: ACMG Guidelines, 2015. Collection method: clinical testing. Allele origin: germline.